The following is an entry in ClinVar:

NM_002224.4(ITPR3):c.445C>T (p.Arg149Trp)

Gene: ITPR3 (inositol 1,4,5-trisphosphate receptor type 3; plus strand). Cytogenetic location: 6p21.31.
Variant type: single nucleotide variant.
Coding change: c.445C>T on transcript NM_002224.4 (MANE Select); coding-DNA position 445, C replaced by T.
Protein change: p.Arg149Trp; replaces arginine 149 with tryptophan.
Molecular consequence: missense variant.
Genome position (GRCh38, 1-based): chr6:33,658,745, C>T. VCF-style: chr6-33658745-C-T. GRCh37 (hg19) VCF-style: chr6-33626522-C-T.
Other names: short protein forms R149W.
Identifiers: ClinVar variation 2578246 (VCV002578246.4), dbSNP rs1237600471, ClinGen allele CA363683661.

ClinVar aggregate classification (germline): Conflicting classifications of pathogenicity. Review status: criteria provided, conflicting classifications (1 of 4 stars). 2 submissions from 2 submitters: Likely pathogenic (1); Uncertain significance (1). Last evaluated 2024-12-10.

Conditions:
Charcot-Marie-Tooth disease, demyelinating, type 1J. Also called: CHARCOT-MARIE-TOOTH NEUROPATHY, DEMYELINATING, TYPE 1J. Identifiers: MedGen C5774249, MONDO:0859311, OMIM 620111.

gnomAD v4.1: 1 of 1,614,194 alleles (0.000062%); highest among the groups gnomAD compares: Non-Finnish European, 0.000085%; no homozygotes.

Submissions (2):

Laboratorio de Diagnóstico Molecular
Classification: Likely pathogenic for Charcot-Marie-Tooth disease, demyelinating, type 1J. Last evaluated: 2024-12-10. Review status: criteria provided, single submitter. Criteria: ACMG Guidelines, 2015. Collection method: clinical testing. Allele origin: de novo. Inheritance: Autosomal dominant inheritance. Affected: yes.
Comment: The c.445C>T single nucleotide variant in exon 5 of the ITPR3 gene results in the substitution p.Arg149Trp. Its frequency in gnomAD 4.1.0 is extremely low (PM2_supporting). ITPR3 exhibits high missense constraint (gnomAD Z-score 5.28) and missense variants in this gene have been associated with disease via a dominant-negative mechanism (PP2). Computational predictions support a deleterious effect on the gene product (REVEL score 0.874; PP3_moderate). This variant was confirmed to have originated de novo by parental segregation using Sanger sequencing (paternity and maternity not confirmed; PM6).

GeneDx
Classification: Uncertain significance. Last evaluated: 2023-02-28. Review status: criteria provided, single submitter. Criteria: GeneDx Variant Classification Process June 2021. Collection method: clinical testing. Allele origin: germline. Affected: yes.
Comment: Not observed at significant frequency in large population cohorts (gnomAD); In silico analysis supports that this missense variant has a deleterious effect on protein structure/function; Has not been previously published as pathogenic or benign to our knowledge